The following is an entry in ClinVar:

ClinVar aggregate classification (germline): Benign/Likely benign. Review status: criteria provided, multiple submitters, no conflicts (2 of 4 stars). 4 submissions from 4 submitters: Benign (1); Likely benign (3). Last evaluated 2025-12-22.

Conditions:
RASopathy. Also called: Noonan spectrum disorder; rasopathies. Identifiers: Orphanet 536391, MedGen C5555857, MONDO:0021060.

Allele frequency attached by ClinVar (database versions not stated): gnomAD exomes 0.00001 and 0.00004; gnomAD 0.00002 and 0.00004; ExAC 0.00004; TOPMed 0.00005; 1000 Genomes Project 30x 0.00016; 1000 Genomes Project 0.00020.
gnomAD v4.1: 27 of 1,612,636 alleles (0.0017%); highest among the groups gnomAD compares: East Asian, 0.02%; no homozygotes.

Submissions (4):

Labcorp Genetics (formerly Invitae), Labcorp
Classification: Likely benign for RASopathy. Last evaluated: 2025-12-22. Review status: criteria provided, single submitter. Criteria: Invitae Variant Classification Sherloc (09022015). Collection method: clinical testing. Allele origin: germline.

Blueprint Genetics
Classification: Likely benign. Last evaluated: 2024-04-15. Review status: criteria provided, single submitter. Criteria: ACMG Guidelines, 2015. Collection method: clinical testing. Allele origin: germline.

Women's Health and Genetics/Laboratory Corporation of America, LabCorp
Classification: Benign. Last evaluated: 2023-12-10. Review status: criteria provided, single submitter. Criteria: LabCorp Variant Classification Summary - May 2015. Collection method: clinical testing. Allele origin: germline.

Laboratory for Molecular Medicine, Mass General Brigham Personalized Medicine
Classification: Likely benign. Last evaluated: 2013-03-27. Review status: criteria provided, single submitter. Criteria: LMM Criteria. Collection method: clinical testing. Allele origin: germline. Observed: 1 variant allele.
Comment: 450+13G>A in intron 3 of MAP2K2: This variant is not expected to have clinical significance as it does not alter a coding or splice consensus sequence.

NM_030662.4(MAP2K2):c.450+13G>A

Gene: MAP2K2 (mitogen-activated protein kinase kinase 2; minus strand). Cytogenetic location: 19p13.3.
Variant type: single nucleotide variant.
Coding change: c.450+13G>A on transcript NM_030662.4 (MANE Select); 13 bases into the intron after coding-DNA position 450, G replaced by A.
Molecular consequence: intron variant.
Genome position (GRCh38, 1-based): chr19:4,110,496, C>T on the plus strand (G>A on the coding strand, the complement: MAP2K2 is on the minus strand). VCF-style: chr19-4110496-C-T. GRCh37 (hg19) VCF-style: chr19-4110494-C-T.
Identifiers: ClinVar variation 178864 (VCV000178864.14), dbSNP rs572847821, ClinGen allele CA183180.